The following is an entry in ClinVar:

ClinVar aggregate classification (germline): Likely benign. Review status: criteria provided, multiple submitters, no conflicts (2 of 4 stars). 3 submissions from 3 submitters: Likely benign (2). 1 of the submissions does not count toward it. Last evaluated 2025-02-05.

Conditions:
Inborn genetic diseases. Identifiers: MedGen C0950123, MeSH D030342.
Fanconi anemia (FA). Also called: Fanconi's anemia. Identifiers: Orphanet 84, MedGen C0015625, MeSH D005199, MONDO:0019391.
FANCA-related disorder. Also called: FANCA-related condition.

gnomAD v4.1: 2 of 1,613,668 alleles (0.00012%); highest among the groups gnomAD compares: Non-Finnish European, 0.00017%; no homozygotes.

Submissions (3):

Ambry Genetics
Classification: Likely benign for Inborn genetic diseases. Last evaluated: 2025-02-05. Review status: criteria provided, single submitter. Criteria: Ambry Variant Classification Scheme 2023. Collection method: clinical testing. Allele origin: germline.

Labcorp Genetics (formerly Invitae), Labcorp
Classification: Likely benign for Fanconi anemia. Last evaluated: 2020-05-20. Review status: criteria provided, single submitter. Criteria: Invitae Variant Classification Sherloc (09022015). Collection method: clinical testing. Allele origin: germline.

PreventionGenetics, part of Exact Sciences
Classification: Likely benign for FANCA-related condition. Last evaluated: 2023-01-12. Review status: no assertion criteria provided. Collection method: clinical testing. Allele origin: germline. Not counted in ClinVar's aggregate classification.
Comment: This variant is classified as likely benign based on ACMG/AMP sequence variant interpretation guidelines (Richards et al. 2015 PMID: 25741868, with internal and published modifications).

NM_000135.4(FANCA):c.2859C>T (p.Asp953=)

Gene: FANCA (FA complementation group A; minus strand). Cytogenetic location: 16q24.3.
Variant type: single nucleotide variant.
Coding change: c.2859C>T on transcript NM_000135.4 (MANE Select); coding-DNA position 2859, C replaced by T.
Protein change: p.Asp953=; no amino-acid change (aspartic acid 953 retained).
Molecular consequence: synonymous variant.
Genome position (GRCh38, 1-based): chr16:89,758,699, G>A on the plus strand (C>T on the coding strand, the complement: FANCA is on the minus strand). VCF-style: chr16-89758699-G-A. GRCh37 (hg19) VCF-style: chr16-89825107-G-A.
Other names: c.2859C>T (NM_000135.2); c.2859C>T, p.Asp953= (NM_001286167.3).
Identifiers: ClinVar variation 1128852 (VCV001128852.12), dbSNP rs149112292, ClinGen allele CA497182235.